The following is an entry in ClinVar:

NM_032520.5(GNPTG):c.903G>A (p.Leu301=)

Gene: GNPTG (N-acetylglucosamine-1-phosphate transferase subunit gamma; plus strand). Cytogenetic location: 16p13.3.
Variant type: single nucleotide variant.
Coding change: c.903G>A on transcript NM_032520.5 (MANE Select); coding-DNA position 903, G replaced by A.
Protein change: p.Leu301=; no amino-acid change (leucine 301 retained).
Molecular consequence: synonymous variant.
Genome position (GRCh38, 1-based): chr16:1,363,076, G>A. VCF-style: chr16-1363076-G-A. GRCh37 (hg19) VCF-style: chr16-1413077-G-A.
Identifiers: ClinVar variation 747120 (VCV000747120.15), dbSNP rs141807632, ClinGen allele CA7808025.

ClinVar aggregate classification (germline): Likely benign. Review status: criteria provided, multiple submitters, no conflicts (2 of 4 stars). 5 submissions from 5 submitters: Likely benign (3). 2 of the submissions do not count toward it. Last evaluated 2026-09-01.

Conditions:
GNPTG-mucolipidosis. Also called: ML III GAMMA; ML IIIC; Mucolipidosis type III gamma; MUCOLIPIDOSIS III, COMPLEMENTATION GROUP C; MUCOLIPIDOSIS III, IRANIAN VARIANT FORM; MUCOLIPIDOSIS III, VARIANT FORM. Identifiers: Orphanet 423470, Orphanet 577, MedGen C1854896, MONDO:0009652, OMIM 252605.
GNPTG-related disorder. Also called: GNPTG-related condition.

Allele frequency attached by ClinVar (database versions not stated): 1000 Genomes Project 30x 0.00016; 1000 Genomes Project 0.00020; ESP Exome Variant Server 0.00023; ExAC 0.00031; gnomAD exomes 0.00032 and 0.00053; TOPMed 0.00040; gnomAD 0.00043 and 0.00044.
gnomAD v4.1: 828 of 1,613,928 alleles (0.051%); highest among the groups gnomAD compares: Non-Finnish European, 0.064%; 1 homozygote.

Submissions (5):

CeGaT Center for Human Genetics Tuebingen
Classification: Likely benign. Last evaluated: 2026-09-01. Review status: criteria provided, single submitter. Criteria: CeGaT Center For Human Genetics Tuebingen Variant Classification Criteria Version 2. Collection method: clinical testing. Allele origin: germline. Affected: yes. Observed: 1 variant allele.
Comment: GNPTG: BP4, BP7

Labcorp Genetics (formerly Invitae), Labcorp
Classification: Likely benign. Last evaluated: 2026-01-25. Review status: criteria provided, single submitter. Criteria: Invitae Variant Classification Sherloc (09022015). Collection method: clinical testing. Allele origin: germline.

Blueprint Genetics
Classification: Likely benign. Last evaluated: 2024-11-19. Review status: criteria provided, single submitter. Criteria: ACMG Guidelines, 2015. Collection method: clinical testing. Allele origin: germline.

PreventionGenetics, part of Exact Sciences
Classification: Likely benign for GNPTG-related condition. Last evaluated: 2019-11-20. Review status: no assertion criteria provided. Collection method: clinical testing. Allele origin: germline. Not counted in ClinVar's aggregate classification.
Comment: This variant is classified as likely benign based on ACMG/AMP sequence variant interpretation guidelines (Richards et al. 2015 PMID: 25741868, with internal and published modifications).

Natera, Inc.
Classification: Uncertain significance for Mucolipidosis III gamma. Last evaluated: 2019-11-11. Review status: no assertion criteria provided. Collection method: clinical testing. Allele origin: germline. Not counted in ClinVar's aggregate classification.